The following continues an entry in ClinVar:

NM_016203.4(PRKAG2):c.905G>A (p.Arg302Gln)

Gene: PRKAG2. ClinVar aggregate classification (germline): Pathogenic. Pathogenic (18).

Submissions 9 to 23 of 23:

Women's Health and Genetics/Laboratory Corporation of America, LabCorp
Classification: Pathogenic for Familial Hypertrophic Cardiomyopathy with Wolff-Parkinson-White Syndrome. Last evaluated: 2022-03-14. Review status: criteria provided, single submitter. Criteria: LabCorp Variant Classification Summary - May 2015. Collection method: clinical testing. Allele origin: germline.
Comment: Variant summary: PRKAG2 c.905G>A (p.Arg302Gln) results in a conservative amino acid change in the encoded protein sequence. Three of five in-silico tools predict a damaging effect of the variant on protein function. The variant was absent in 251376 control chromosomes. c.905G>A has been widely reported in the literature in multiple individuals affected with Hypertrophic Cardiomyopathy With Wolff-Parkinson-White (example, Gollob_2001, Sternick_2006, Arad_2002, Tan_2008). These data indicate that the variant is very likely to be associated with disease. At least one publication reports experimental evidence evaluating an impact on protein function (example, Scott_2004). The most pronounced variant effect results in impaired binding of AMP to PRKAG2 protein. Multiple clinical diagnostic laboratories have submitted clinical-significance assessments for this variant to ClinVar after 2014 with complete consensus as pathogenic. Based on the evidence outlined above, the variant was classified as pathogenic.

Victorian Clinical Genetics Services, Murdoch Childrens Research Institute
Classification: Pathogenic for Hypertrophic cardiomyopathy 6. Last evaluated: 2022-02-02. Review status: criteria provided, single submitter. Criteria: ACMG Guidelines, 2015. Collection method: clinical testing. Allele origin: germline. Inheritance: Autosomal dominant inheritance. Affected: yes.
Comment: Based on the classification scheme VCGS_Germline_v1.3.4, this variant is classified as Pathogenic. Following criteria are met: 0102 - Loss of function is a known mechanism of disease in this gene and is associated with hypertrophic cardiomyopathy 6 (MIM#600858) and Wolff-Parkinson-White syndrome (MIM#194200). (I) 0107 - This gene is associated with autosomal dominant disease. (I) 0115 - Variants in this gene are known to have variable expressivity between families and also within the same family (PMID: 11407343, 28431061). (I) 0200 - Variant is predicted to result in a missense amino acid change from arginine to glutamine. (I) 0251 - This variant is heterozygous. (I) 0302 - Variant is present in gnomAD (v3) <0.001 for a dominant condition (1 heterozygote, 0 homozygotes). (SP) 0309 - An alternative amino acid change at the same position has been observed in gnomAD (v2) (1 heterozygote, 0 homozygotes). (I) 0501 - Missense variant consistently predicted to be damaging by multiple in silico tools or highly conserved with a major amino acid change. (SP) 0600 - Variant is located in the annotated CBS1 domain (Uniprot, PDB). (I) 0801 - This variant has strong previous evidence of pathogenicity in unrelated individuals. This variant has been previously reported as pathogenic in multiple individuals (ClinVar). This variant has also been shown to segregate with hypertrophy and Wolff-Parkinson-White syndrome in many affected individuals across several families (PMID: 11407343, 28431061). (SP) 1002 - This variant has moderate functional evidence supporting abnormal protein function. Functional studies have shown that AMPK enzymatic activity is significantly reduced by this variant and transgenic mouse models carrying this variant recapitulate the human phenotype (PMID: 23778007, 15611370). (I) Legend: (SP) - Supporting pathogenic, (I) - Information, (SB) - Supporting benign

Revvity Omics, Revvity
Classification: Pathogenic. Last evaluated: 2021-11-04. Review status: criteria provided, single submitter. Criteria: ACMG Guidelines, 2015. Collection method: clinical testing. Allele origin: germline.

Ambry Genetics
Classification: Pathogenic for Cardiovascular phenotype. Last evaluated: 2021-10-14. Review status: criteria provided, single submitter. Criteria: Ambry General Variant Classification Scheme_2022. Collection method: clinical testing. Allele origin: germline. Observed: 1 variant allele.
Comment: The p.R302Q pathogenic mutation (also known as c.905G>A), located in coding exon 7 of the PRKAG2 gene, results from a G to A substitution at nucleotide position 905. The arginine at codon 302 is replaced by glutamine, an amino acid with highly similar properties. This mutation has been reported in multiple individuals in association with Wolff-Parkinson-White syndrome, cardiac conduction system disease, and hypertrophic cardiomyopathy, or a combination of these presentations, and has been seen to segregate with disease in many individuals from multiple unrelated families (Gollob et al. N Engl J Med. 2001 Jun;344(24):1823-31; Arad et al. J Clin Invest. 2002 Feb;109(3):357-62; Sternick et al. J Cardiovasc Electrophysiol. 2006 Jul; 17(7):724-32; Charron et al. Europace. 2007 Aug;9:597-600; Tan et al. Circ Arrhythm Electrophysiol. 2008 Oct;1:276-81; Hathaway J et al. BMC Cardiovasc Disord, 2021 03;21:126). At least one de novo case has also been reported (Thevenon J et al. Europace, 2017 Apr;19:651-659). This variant is considered to be rare based on population cohorts in the Genome Aggregation Database (gnomAD). In addition, in vitro functional studies and in vivo studies of transgenic mice have demonstrated abnormal protein function and increased cardiac glycogen storage as a result of this mutation (Scott et al. J Clin Invest. 2004 Jan;113:274-84; Sidhu et al. Circulation. 2005 Jan;111:21-9; Folmes et al. Circ Cardiovasc Genet. 2009 Oct;2:457-66; Zhang et al. J Cardiol. 2013 Oct;62:241-8; Thorn et al. EJNMMI Res. 2013;3:48). Based on the supporting evidence, this alteration is interpreted as a disease-causing mutation.

Laboratory for Molecular Medicine, Mass General Brigham Personalized Medicine
Classification: Pathogenic for Hypertrophic cardiomyopathy. Last evaluated: 2020-09-28. Review status: criteria provided, single submitter. Criteria: LMM Criteria. Collection method: clinical testing. Allele origin: germline. Inheritance: Autosomal dominant inheritance. Observed: 13 variant alleles.
Comment: The p.Arg302Gln variant in PRKAG2 has been reported in numerous individuals with variable clinical features (including cardiac hypertrophy, Wolff-Parkinson-White syndrome (WPW) and other conduction system abnormalities) and segregated with disease in greater than 100 individuals from at least 13 families (Gollob 2001 PMID: 11407343; Arad 2002 PMID: 11827995; Sternick 2006 PMID: 16836667; Charron 2007 PMID: 17483151; Tan 2008 PMID: 19808419; Alfares 2015 PMID: 25611685; Walsh 2017 PMID: 27532257; Pu 2015 PMID: 25997934; Zhan 2018 PMID: 29452156; Jaaskelainen 2019 PMID: 30775854; Robyns 2020 PMID: 31513939; Hu 2020 PMID: 32681253). This variant has also been reported by other clinical laboratories in ClinVar (Variation ID: 6846). It was absent from large population studies. In vitro and in vivo functional studies, including animal models in mouse, have demonstrated that this variant impacts protein function and causes disease that is similar to what has been observed in humans (Thorn 2013 PMID: 23829931; Zhang 2013 PMID: 23778007; Yavari 2016 PMID: 27133129; Zhan 2018 PMID: 29452156). Computational prediction tools and conservation analyses do not provide strong support for or against an impact to the protein. In summary, this variant meets criteria to be classified as pathogenic for autosomal dominant PRKAG2-associated cardiac disease. ACMG/AMP Criteria applied: PS4, PP1_Strong, PM2, PS3_Moderate.

Centre for Mendelian Genomics, University Medical Centre Ljubljana
Classification: Pathogenic for Wolff-Parkinson-White pattern. Last evaluated: 2019-08-27. Review status: criteria provided, single submitter. Criteria: ACMG Guidelines, 2015. Collection method: clinical testing. Allele origin: unknown. Affected: yes.
Comment: This variant was classified as: Pathogenic. The following ACMG criteria were applied in classifying this variant: PS1,PS3,PM2,PP3.

Center for Human Genetics, University of Leuven
Classification: Pathogenic for Hypertrophic cardiomyopathy. Last evaluated: 2018-10-31. Review status: criteria provided, single submitter. Criteria: ACMG Guidelines, 2015. Collection method: clinical testing. Allele origin: germline. Affected: yes.

SIB Swiss Institute of Bioinformatics
Classification: Pathogenic for Hypertrophic cardiomyopathy 6. Last evaluated: 2018-05-31. Review status: criteria provided, single submitter. Criteria: ACMG Guidelines, 2015. Collection method: curation. Allele origin: unknown.
Comment: This variant is interpreted as a Pathogenic, for Cardiomyopathy, familial hypertrophic 6, in Autosomal Dominant manner. The following ACMG Tag(s) were applied: PM2 => Absent from controls (or at extremely low frequency if recessive) in Exome Sequencing Project, 1000 Genomes Project, or Exome Aggregation Consortium. PS3-Very Strong => PS3 upgraded in strength to Very Strong (PMID:14722619,11827995,15611370,28917552). PP1-Moderate => PP1 upgraded in strength to Moderate (PMID:11407343).

Molecular Diagnostic Laboratory for Inherited Cardiovascular Disease, Montreal Heart Institute
Classification: Pathogenic for Primary familial hypertrophic cardiomyopathy. Last evaluated: 2016-05-12. Review status: criteria provided, single submitter. Criteria: ACMG Guidelines, 2015. Collection method: clinical testing. Allele origin: germline. Affected: yes.

Stanford Center for Inherited Cardiovascular Disease, Stanford University
Classification: Pathogenic. Last evaluated: 2015-10-08. Review status: criteria provided, single submitter. Criteria: ACMG Guidelines, 2015. Collection method: provider interpretation. Allele origin: germline.

OMIM
Classification: Pathogenic for WOLFF-PARKINSON-WHITE SYNDROME. Last evaluated: 2002-02-01. Review status: no assertion criteria provided. Collection method: literature only. Allele origin: germline. Not counted in ClinVar's aggregate classification.

OMIM
Classification: Pathogenic for CARDIOMYOPATHY, FAMILIAL HYPERTROPHIC, 6. Last evaluated: 2002-02-01. Review status: no assertion criteria provided. Collection method: literature only. Allele origin: germline. Not counted in ClinVar's aggregate classification.

Clinical Genetics DNA and cytogenetics Diagnostics Lab, Erasmus MC, Erasmus Medical Center
Classification: Pathogenic. Review status: no assertion criteria provided. Collection method: clinical testing. Allele origin: germline. Affected: yes. Study: VKGL Data-share Consensus. Not counted in ClinVar's aggregate classification.

Clinical Genetics, Academic Medical Center
Classification: Pathogenic. Review status: no assertion criteria provided. Collection method: clinical testing. Allele origin: germline. Affected: yes. Study: VKGL Data-share Consensus. Not counted in ClinVar's aggregate classification.

Diagnostic Laboratory, Department of Genetics, University Medical Center Groningen
Classification: Pathogenic. Review status: no assertion criteria provided. Collection method: clinical testing. Allele origin: germline. Affected: yes. Study: VKGL Data-share Consensus. Not counted in ClinVar's aggregate classification.

Literature cited by the submitters: PubMed 16836667 (cited by 6 submitters); PubMed 25997934 (cited by 3 submitters); PubMed 14722619 (cited by 6 submitters); PubMed 15611370 (cited by 6 submitters); PubMed 20031621 (cited by 5 submitters); PubMed 23992123 (cited by Labcorp Genetics (formerly Invitae), Labcorp and 3billion); PubMed 32259713 (cited by 3billion and Color Diagnostics, LLC DBA Color Health); PubMed 28431061 (cited by 4 submitters); PubMed 11407343 (cited by 8 submitters); PubMed 11827995 (cited by 6 submitters); PubMed 15766830 (cited by Color Diagnostics, LLC DBA Color Health and Women's Health and Genetics/Laboratory Corporation of America, LabCorp); PubMed 17483151 (cited by 4 submitters); PubMed 23778007 (cited by 4 submitters); PubMed 23829931 (cited by 3 submitters); PubMed 26333379 (cited by Color Diagnostics, LLC DBA Color Health); PubMed 26496977 (cited by Color Diagnostics, LLC DBA Color Health); PubMed 27532257 (cited by Color Diagnostics, LLC DBA Color Health and Ambry Genetics); PubMed 27600940 (cited by Color Diagnostics, LLC DBA Color Health); PubMed 27864312 (cited by Color Diagnostics, LLC DBA Color Health); PubMed 28917552 (cited by 3 submitters); PubMed 29298659 (cited by Color Diagnostics, LLC DBA Color Health and Ambry Genetics); PubMed 29875424 (cited by Color Diagnostics, LLC DBA Color Health); PubMed 30775854 (cited by Color Diagnostics, LLC DBA Color Health); PubMed 32150461 (cited by Color Diagnostics, LLC DBA Color Health); PubMed 32681253 (cited by Color Diagnostics, LLC DBA Color Health and Ambry Genetics); PubMed 33244021 (cited by Color Diagnostics, LLC DBA Color Health and Ambry Genetics); PubMed 33673806 (cited by Color Diagnostics, LLC DBA Color Health and Ambry Genetics); PubMed 16275868 (cited by Women's Health and Genetics/Laboratory Corporation of America, LabCorp); PubMed 15877279 (cited by Women's Health and Genetics/Laboratory Corporation of America, LabCorp); PubMed 12397075 (cited by Women's Health and Genetics/Laboratory Corporation of America, LabCorp); PubMed 12546691 (cited by Women's Health and Genetics/Laboratory Corporation of America, LabCorp); PubMed 12015471 (cited by Women's Health and Genetics/Laboratory Corporation of America, LabCorp); PubMed 16686673 (cited by Women's Health and Genetics/Laboratory Corporation of America, LabCorp); PubMed 14519435 (cited by Women's Health and Genetics/Laboratory Corporation of America, LabCorp); PubMed 12716108 (cited by Women's Health and Genetics/Laboratory Corporation of America, LabCorp); PubMed 16051890 (cited by Women's Health and Genetics/Laboratory Corporation of America, LabCorp); PubMed 14691231 (cited by Women's Health and Genetics/Laboratory Corporation of America, LabCorp); PubMed 17667862 (cited by Women's Health and Genetics/Laboratory Corporation of America, LabCorp); PubMed 17878938 (cited by Women's Health and Genetics/Laboratory Corporation of America, LabCorp); PubMed 11407351 (cited by Women's Health and Genetics/Laboratory Corporation of America, LabCorp); PubMed 19808419 (cited by 3 submitters); PubMed 31513939 (cited by Ambry Genetics); PubMed 31737537 (cited by Ambry Genetics); PubMed 17711718 (cited by Laboratory for Molecular Medicine, Mass General Brigham Personalized Medicine); PubMed 10820940 (cited by OMIM); PubMed 11586962 (cited by OMIM); PubMed 10355918 (cited by OMIM).